The following is an entry in ClinVar:

NM_005359.6(SMAD4):c.909T>A (p.Pro303=)

Gene: SMAD4 (SMAD family member 4; plus strand). Cytogenetic location: 18q21.2.
Variant type: single nucleotide variant.
Coding change: c.909T>A on transcript NM_005359.6 (MANE Select); coding-DNA position 909, T replaced by A.
Protein change: p.Pro303=; no amino-acid change (proline 303 retained).
Molecular consequence: synonymous variant.
Genome position (GRCh38, 1-based): chr18:51,059,870, T>A. VCF-style: chr18-51059870-T-A. GRCh37 (hg19) VCF-style: chr18-48586240-T-A.
Identifiers: ClinVar variation 1040764 (VCV001040764.12), dbSNP rs141149381, ClinGen allele CA503873918.

ClinVar aggregate classification (germline): Benign/Likely benign. Review status: criteria provided, multiple submitters, no conflicts (2 of 4 stars). 3 submissions from 3 submitters: Benign (1); Likely benign (2). Last evaluated 2025-03-20.

Conditions:
Hereditary cancer-predisposing syndrome. Also called: Hereditary Cancer Syndrome; Neoplastic Syndromes, Hereditary; Hereditary neoplastic syndrome; Tumor predisposition. Identifiers: Orphanet 140162, MedGen C0027672, MeSH D009386, MONDO:0015356.
Familial thoracic aortic aneurysm and aortic dissection (TAAD). Also called: Thoracic aortic aneurysms and dissections. Identifiers: Orphanet 91387, MedGen C4707243, MONDO:0019625.
Juvenile polyposis syndrome (JPS). Identifiers: Orphanet 2929, MedGen C0345893, MONDO:0017380, OMIM 174900.
Juvenile polyposis/hereditary hemorrhagic telangiectasia syndrome (JPHT). Also called: JP/HHT SYNDROME; JUVENILE POLYPOSIS WITH HEREDITARY HEMORRHAGIC TELANGIECTASIA; POLYPOSIS, GENERALIZED JUVENILE, WITH PULMONARY ARTERIOVENOUS MALFORMATION; TELANGIECTASIA, HEREDITARY HEMORRHAGIC, WITH JUVENILE POLYPOSIS COLI; Juvenile Polyposis Syndrome / Hereditary Hemorrhagic Telangiectasia (JPS/HHT). Identifiers: Orphanet 2929, MedGen C1832942, MONDO:0008278, OMIM 175050.

Submissions (3):

Myriad Genetics, Inc.
Classification: Benign for Juvenile polyposis/hereditary hemorrhagic telangiectasia syndrome. Last evaluated: 2025-03-20. Review status: criteria provided, single submitter. Criteria: Myriad Autosomal Dominant, Autosomal Recessive and X-Linked Classification Criteria (2023). Collection method: clinical testing. Allele origin: unknown.
Comment: This variant is considered benign. This variant is a silent/synonymous amino acid change and it is not expected to impact splicing.

Labcorp Genetics (formerly Invitae), Labcorp
Classification: Likely benign for Juvenile polyposis syndrome. Last evaluated: 2024-03-28. Review status: criteria provided, single submitter. Criteria: Invitae Variant Classification Sherloc (09022015). Collection method: clinical testing. Allele origin: germline.

Ambry Genetics
Classification: Likely benign for Hereditary cancer-predisposing syndrome; Familial thoracic aortic aneurysm and aortic dissection. Last evaluated: 2021-09-01. Review status: criteria provided, single submitter. Criteria: Ambry Variant Classification Scheme 2023. Collection method: clinical testing. Allele origin: germline.